The following is an entry in ClinVar:

NM_004082.5(DCTN1):c.3666C>G (p.Asp1222Glu)

Gene: DCTN1 (dynactin subunit 1; minus strand). Cytogenetic location: 2p13.1.
Variant type: single nucleotide variant.
Coding change: c.3666C>G on transcript NM_004082.5 (MANE Select); coding-DNA position 3666, C replaced by G.
Protein change: p.Asp1222Glu; replaces aspartic acid 1222 with glutamic acid.
Molecular consequence: missense variant. On other transcripts: non-coding transcript variant (1).
Genome position (GRCh38, 1-based): chr2:74,362,085, G>C on the plus strand (C>G on the coding strand, the complement: DCTN1 is on the minus strand). VCF-style: chr2-74362085-G-C. GRCh37 (hg19) VCF-style: chr2-74589212-G-C.
Other names: c.3591C>G, p.Asp1197Glu (NM_001135040.3); c.3249C>G, p.Asp1083Glu (NM_001135041.3); c.3540C>G, p.Asp1180Glu (NM_001190836.2); c.3645C>G, p.Asp1215Glu (NM_001190837.2); c.3615C>G, p.Asp1205Glu (NM_001378991.1); c.3597C>G, p.Asp1199Glu (NM_001378992.1); c.3264C>G, p.Asp1088Glu (NM_023019.4); short protein forms D1083E, D1088E, D1180E, D1199E, D1197E, D1215E, D1222E, D1205E.
Identifiers: ClinVar variation 4783534 (VCV004783534.1).

ClinVar aggregate classification (germline): Uncertain significance (1 of 4 stars; one submission).

Conditions:
Amyotrophic lateral sclerosis type 1 (ALS1). Also called: AMYOTROPHIC LATERAL SCLEROSIS 1, FAMILIAL. Identifiers: Orphanet 803, MedGen C1862939, MONDO:0007103, OMIM 105400.
Neuronopathy, distal hereditary motor, type 7B. Also called: NEURONOPATHY, DISTAL HEREDITARY MOTOR, AUTOSOMAL DOMINANT 14; NEURONOPATHY, DISTAL HEREDITARY MOTOR, HARDING TYPE VIIB; NEUROPATHY, DISTAL HEREDITARY MOTOR, HARDING TYPE VIIB; NEUROPATHY, DISTAL HEREDITARY MOTOR, WITH VOCAL CORD PARALYSIS, HARDING TYPE VIIB; Distal Hereditary Motor Neuronopathy Type 7B (dHMN7B); HMN VIIB. Identifiers: Orphanet 139589, MedGen C1843315, MONDO:0011879, OMIM 607641.
Perry syndrome. Also called: PARKINSONISM WITH ALVEOLAR HYPOVENTILATION AND MENTAL DEPRESSION. Identifiers: Orphanet 178509, MedGen C1868594, MONDO:0008201, OMIM 168605.

Submission:

Labcorp Genetics (formerly Invitae), Labcorp
Classification: Uncertain significance for Amyotrophic lateral sclerosis type 1; Neuronopathy, distal hereditary motor, type 7B; Perry syndrome. Last evaluated: 2025-03-15. Review status: criteria provided, single submitter. Criteria: Invitae Variant Classification Sherloc (09022015). Collection method: clinical testing. Allele origin: germline.
Comment: This sequence change replaces aspartic acid, which is acidic and polar, with glutamic acid, which is acidic and polar, at codon 1222 of the DCTN1 protein (p.Asp1222Glu). This variant is not present in population databases (gnomAD no frequency). This variant has not been reported in the literature in individuals affected with DCTN1-related conditions. Invitae Evidence Modeling of protein sequence and biophysical properties (such as structural, functional, and spatial information, amino acid conservation, physicochemical variation, residue mobility, and thermodynamic stability) indicates that this missense variant is not expected to disrupt DCTN1 protein function with a negative predictive value of 95%. In summary, the available evidence is currently insufficient to determine the role of this variant in disease. Therefore, it has been classified as a Variant of Uncertain Significance.